The following is an entry in ClinVar:

ClinVar aggregate classification (germline): not provided (0 of 4 stars; one submission).

Allele frequency attached by ClinVar (database versions not stated): gnomAD 0.00001; TOPMed 0.00001.
gnomAD v4.1: 1 of 1,613,304 alleles (0.000062%); highest among the groups gnomAD compares: African/African-American, 0.0013%; no homozygotes.

Submission:

Human Evolutionary Genetics, Institut Pasteur
No classification provided. Review status: no classification provided. Collection method: not provided. Allele origin: germline.
ClinVar note: Converted during submission from untested to not provided.

NM_001282144.2(NLRX1):c.2144T>G (p.Val715Gly)

Gene: NLRX1 (NLR family member X1; plus strand). Cytogenetic location: 11q23.3.
Variant type: single nucleotide variant.
Coding change: c.2144T>G on transcript NM_001282144.2 (MANE Select); coding-DNA position 2144, T replaced by G.
Protein change: p.Val715Gly; replaces valine 715 with glycine.
Molecular consequence: missense variant.
Genome position (GRCh38, 1-based): chr11:119,180,165, T>G. VCF-style: chr11-119180165-T-G. GRCh37 (hg19) VCF-style: chr11-119050874-T-G.
Other names: c.2144T>G, p.Val715Gly (NM_001282143.2, NM_001282358.2, NM_024618.4); short protein forms V715G.
Identifiers: ClinVar variation 103136 (VCV000103136.2), dbSNP rs199476049, ClinGen allele CA230171.